The following is an entry in ClinVar:

ClinVar aggregate classification (germline): Uncertain significance (1 of 4 stars; one submission).

Conditions:
Hereditary pancreatitis (PCTT). Also called: Hereditary chronic pancreatitis; PRSS1-Related Hereditary Pancreatitis. Identifiers: Orphanet 676, MedGen C0238339, MONDO:0008185, OMIM 167800.

Submission:

Labcorp Genetics (formerly Invitae), Labcorp
Classification: Uncertain significance for Hereditary pancreatitis. Last evaluated: 2022-05-28. Review status: criteria provided, single submitter. Criteria: Invitae Variant Classification Sherloc (09022015). Collection method: clinical testing. Allele origin: germline.
Comment: In summary, the available evidence is currently insufficient to determine the role of this variant in disease. Therefore, it has been classified as a Variant of Uncertain Significance. Algorithms developed to predict the effect of missense changes on protein structure and function (SIFT, PolyPhen-2, Align-GVGD) all suggest that this variant is likely to be disruptive. ClinVar contains an entry for this variant (Variation ID: 1498077). This variant has not been reported in the literature in individuals affected with CTRC-related conditions. This variant is not present in population databases (gnomAD no frequency). This sequence change replaces arginine, which is basic and polar, with leucine, which is neutral and non-polar, at codon 83 of the CTRC protein (p.Arg83Leu).

NM_007272.3(CTRC):c.248G>T (p.Arg83Leu)

Gene: CTRC (chymotrypsin C; plus strand). Cytogenetic location: 1p36.21.
Variant type: single nucleotide variant.
Coding change: c.248G>T on transcript NM_007272.3 (MANE Select); coding-DNA position 248, G replaced by T.
Protein change: p.Arg83Leu; replaces arginine 83 with leucine.
Molecular consequence: missense variant.
Genome position (GRCh38, 1-based): chr1:15,442,464, G>T. VCF-style: chr1-15442464-G-T. GRCh37 (hg19) VCF-style: chr1-15768960-G-T.
Other names: short protein forms R83L.
Identifiers: ClinVar variation 1498077 (VCV001498077.8), dbSNP rs781768384, ClinGen allele CA338565330.